The following is an entry in ClinVar:

ClinVar aggregate classification (germline): Likely benign. Review status: criteria provided, multiple submitters, no conflicts (2 of 4 stars). 2 submissions from 2 submitters: Likely benign (2). Last evaluated 2024-10-21.

Conditions:
EBF3-related disorder. Identifiers: MedGen CN239924.

gnomAD v4.1: 78 of 1,614,104 alleles (0.0048%); highest among the groups gnomAD compares: Non-Finnish European, 0.0059%; no homozygotes.

Submissions (2):

PreventionGenetics, part of Exact Sciences
Classification: Likely benign for EBF3-related condition. Last evaluated: 2024-10-21. Review status: criteria provided, single submitter. Criteria: ACMG Guidelines, 2015. Collection method: clinical testing. Allele origin: germline.
Comment: This variant is classified as likely benign based on ACMG/AMP sequence variant interpretation guidelines (Richards et al. 2015 PMID: 25741868, with internal and published modifications).

Blueprint Genetics
Classification: Likely benign. Last evaluated: 2023-12-11. Review status: criteria provided, single submitter. Criteria: ACMG Guidelines, 2015. Collection method: clinical testing. Allele origin: germline.

NM_001375380.1(EBF3):c.1309G>A (p.Val437Ile)

Gene: EBF3 (EBF transcription factor 3; minus strand). Cytogenetic location: 10q26.3.
Variant type: single nucleotide variant.
Coding change: c.1309G>A on transcript NM_001375380.1 (MANE Select); coding-DNA position 1309, G replaced by A.
Protein change: p.Val437Ile; replaces valine 437 with isoleucine.
Molecular consequence: missense variant.
Genome position (GRCh38, 1-based): chr10:129,842,179, C>T on the plus strand (G>A on the coding strand, the complement: EBF3 is on the minus strand). VCF-style: chr10-129842179-C-T. GRCh37 (hg19) VCF-style: chr10-131640443-C-T.
Other names: c.1282G>A (NM_001005463.2); c.1309G>A, p.Val437Ile (NM_001375389.1, NM_001375391.1, NM_001375379.1); c.1282G>A, p.Val428Ile (NM_001375390.1, NM_001375392.1, NM_001005463.3); short protein forms V428I, V437I.
Identifiers: ClinVar variation 4909940 (VCV004909940.2).